The following is an entry in ClinVar:

NM_014845.6(FIG4):c.1823G>T (p.Trp608Leu)

Gene: FIG4 (FIG4 phosphoinositide 5-phosphatase; plus strand). Cytogenetic location: 6q21.
Variant type: single nucleotide variant.
Coding change: c.1823G>T on transcript NM_014845.6 (MANE Select); coding-DNA position 1823, G replaced by T.
Protein change: p.Trp608Leu; replaces tryptophan 608 with leucine.
Molecular consequence: missense variant.
Genome position (GRCh38, 1-based): chr6:109,776,994, G>T. VCF-style: chr6-109776994-G-T. GRCh37 (hg19) VCF-style: chr6-110098197-G-T.
Other names: short protein forms W608L.
Identifiers: ClinVar variation 1493992 (VCV001493992.8), dbSNP rs1375864580, ClinGen allele CA365230128.
Genomic context (GRCh38, chr6:109,776,994, plus strand): 5'-AAGATTCCATTAATCTCTTCCTGGGAGTTTTCCATCCCACTGAAGGGAAACCTCATCTCT[G>T]GGAGCTCCCAACAGATTTTTATTTGCATCACAAAAATACCATGAGACTTTTGCCAACAAG-3'
Protein context (NP_055660.1, residues 598-618): FHPTEGKPHL[Trp608Leu]ELPTDFYLHH

ClinVar aggregate classification (germline): Uncertain significance (1 of 4 stars; one submission).

Conditions:
Charcot-Marie-Tooth disease type 4. Also called: Charcot-Marie-Tooth, Type 4; Charcot-Marie-Tooth disease, type IV. Identifiers: Orphanet 64749, MedGen C4082197, MONDO:0018995.

Allele frequency attached by ClinVar (database versions not stated): gnomAD exomes below 0.00001.
gnomAD v4.1: 1 of 1,613,300 alleles (0.000062%); highest among the groups gnomAD compares: Admixed American, 0.0017%; no homozygotes.

Submission:

Labcorp Genetics (formerly Invitae), Labcorp
Classification: Uncertain significance for Charcot-Marie-Tooth disease type 4. Last evaluated: 2022-07-12. Review status: criteria provided, single submitter. Criteria: Invitae Variant Classification Sherloc (09022015). Collection method: clinical testing. Allele origin: germline.
Comment: In summary, the available evidence is currently insufficient to determine the role of this variant in disease. Therefore, it has been classified as a Variant of Uncertain Significance. Algorithms developed to predict the effect of missense changes on protein structure and function (SIFT, PolyPhen-2, Align-GVGD) all suggest that this variant is likely to be disruptive. ClinVar contains an entry for this variant (Variation ID: 1493992). This variant has not been reported in the literature in individuals affected with FIG4-related conditions. This variant is present in population databases (no rsID available, gnomAD 0.003%). This sequence change replaces tryptophan, which is neutral and slightly polar, with leucine, which is neutral and non-polar, at codon 608 of the FIG4 protein (p.Trp608Leu).